The following is an entry in ClinVar:

NM_001385001.1(MCTP2):c.117G>A (p.Arg39=)

Gene: MCTP2 (multiple C2 and transmembrane domain containing 2; plus strand). Cytogenetic location: 15q26.2.
Variant type: single nucleotide variant.
Coding change: c.117G>A on transcript NM_001385001.1 (MANE Select); coding-DNA position 117, G replaced by A.
Protein change: p.Arg39=; no amino-acid change (arginine 39 retained).
Molecular consequence: synonymous variant. On other transcripts: 5 prime UTR variant (2), non-coding transcript variant (7), intron variant (2).
Genome position (GRCh38, 1-based): chr15:94,298,382, G>A. VCF-style: chr15-94298382-G-A. GRCh37 (hg19) VCF-style: chr15-94841611-G-A.
Other names: c.117G>A, p.Arg39= (NM_001159643.2, NM_001385002.1, NM_001385003.1 and 5 more transcripts); c.-224G>A (NM_001385007.1, NM_001385011.1); c.-33-15900G>A (NM_001385009.1, NM_001385010.1).
Identifiers: ClinVar variation 709916 (VCV000709916.7), dbSNP rs61735133, ClinGen allele CA7749400.
Genomic context (GRCh38, chr15:94,298,382, plus strand): 5'-GTTGATCAACTTGAGCAAGAAGAAGGTGAAAAAGAACCCAAGTAAGCCCCCAGATCTACG[G>A]GCAAGGCATCACTTGGACCGCCGTCTCAGCCTCTCTGTGCCTGATCTCCTGGAGGCTGAG-3'
Protein context (NP_001371930.1, residues 29-49): KKNPSKPPDL[Arg39=]ARHHLDRRLS

ClinVar aggregate classification (germline): Benign. Review status: criteria provided, multiple submitters, no conflicts (2 of 4 stars). 3 submissions from 3 submitters: Benign (2). 1 of the submissions does not count toward it. Last evaluated 2019-12-31.

Conditions:
MCTP2-related disorder. Also called: MCTP2-related condition.

Allele frequency attached by ClinVar (database versions not stated): gnomAD exomes 0.00047 and 0.00134; ExAC 0.00149; 1000 Genomes Project 0.00439; 1000 Genomes Project 30x 0.00515; gnomAD 0.00527 and 0.00568; ESP Exome Variant Server 0.00554; TOPMed 0.00574.
gnomAD v4.1: 1,521 of 1,614,138 alleles (0.094%); highest among the groups gnomAD compares: African/African-American, 1.7%; 14 homozygotes.

Submissions (3):

Labcorp Genetics (formerly Invitae), Labcorp
Classification: Benign. Last evaluated: 2019-12-31. Review status: criteria provided, single submitter. Criteria: Invitae Variant Classification Sherloc (09022015). Collection method: clinical testing. Allele origin: germline.

Breakthrough Genomics
Classification: Benign. Review status: criteria provided, single submitter. Criteria: ACMG Guidelines, 2015. Collection method: not provided. Allele origin: germline. Inheritance: Unknown mechanism. Affected: yes.

PreventionGenetics, part of Exact Sciences
Classification: Benign for MCTP2-related condition. Last evaluated: 2019-03-22. Review status: no assertion criteria provided. Collection method: clinical testing. Allele origin: germline. Not counted in ClinVar's aggregate classification.
Comment: This variant is classified as benign based on ACMG/AMP sequence variant interpretation guidelines (Richards et al. 2015 PMID: 25741868, with internal and published modifications).